The following is an entry in ClinVar:

ClinVar aggregate classification (germline): Pathogenic (1 of 4 stars; one submission).

Submission:

ISCA site 17
Classification: Pathogenic. Last evaluated: 2011-08-12. Review status: criteria provided, single submitter. Criteria: Kaminsky et al. (Genet Med. 2011). Collection method: clinical testing. Allele origin: unknown. Affected: yes. Observed: 1 variant allele.
Comment: Copy number variation identified through the course of routine clinical cytogenomic testing in postnatal populations. Clinical assertions have been curated as described in Kaminsky et al. 2011.

GRCh38/hg38 7q31.1-31.2(chr7:113569777-115093349)x3

Genes: FOXP2 (forkhead box P2; plus strand), LINC01393 (long intergenic non-protein coding RNA 1393; plus strand), MDFIC (MyoD family inhibitor domain containing; plus strand), MIR3666 (microRNA 3666; plus strand), PPP1R3A (protein phosphatase 1 regulatory subunit 3A; minus strand) and 18 more. Cytogenetic location: 7q31.1-31.2.
Variant type: copy number gain.
Change: copy number 3 (three copies instead of two) of chr7:113,569,777-115,093,349 (1.52 Mb, GRCh38 coordinates, 1-based), cytogenetic band 7q31.1-31.2.
Identifiers: ClinVar variation 59714 (VCV000059714.1).